The following is an entry in ClinVar:

ClinVar aggregate classification (germline): Uncertain significance. Review status: criteria provided, multiple submitters, no conflicts (2 of 4 stars). 7 submissions from 7 submitters: Uncertain significance (6). 1 of the submissions does not count toward it. Last evaluated 2025-09-08.

Conditions:
FERMT3-related disorder. Also called: FERMT3-related condition.
Inborn genetic diseases. Identifiers: MedGen C0950123, MeSH D030342.
Leukocyte adhesion deficiency 3. Also called: INTEGRIN ACTIVATION DEFICIENCY DISEASE; LEUKOCYTE ADHESION DEFICIENCY 1 VARIANT; Leukocyte adhesion deficiency, type III. Identifiers: Orphanet 2968, Orphanet 99844, MedGen C2748536, MONDO:0013016, OMIM 612840.

Allele frequency attached by ClinVar (database versions not stated): gnomAD 0.00001 and 0.00003; ExAC 0.00004; TOPMed 0.00005; gnomAD exomes 0.00007.

Submissions (7):

Ambry Genetics
Classification: Uncertain significance for Inborn genetic diseases. Last evaluated: 2025-09-08. Review status: criteria provided, single submitter. Criteria: Ambry Variant Classification Scheme 2023. Collection method: clinical testing. Allele origin: germline.

Labcorp Genetics (formerly Invitae), Labcorp
Classification: Uncertain significance for Leukocyte adhesion deficiency 3. Last evaluated: 2024-08-30. Review status: criteria provided, single submitter. Criteria: Invitae Variant Classification Sherloc (09022015). Collection method: clinical testing. Allele origin: germline.
Comment: This sequence change replaces glutamine, which is neutral and polar, with glutamic acid, which is acidic and polar, at codon 190 of the FERMT3 protein (p.Gln190Glu). This variant is present in population databases (rs777178622, gnomAD 0.04%). This variant has not been reported in the literature in individuals affected with FERMT3-related conditions. ClinVar contains an entry for this variant (Variation ID: 287373). Invitae Evidence Modeling of protein sequence and biophysical properties (such as structural, functional, and spatial information, amino acid conservation, physicochemical variation, residue mobility, and thermodynamic stability) indicates that this missense variant is not expected to disrupt FERMT3 protein function with a negative predictive value of 80%. In summary, the available evidence is currently insufficient to determine the role of this variant in disease. Therefore, it has been classified as a Variant of Uncertain Significance.

Fulgent Genetics
Classification: Uncertain significance for Leukocyte adhesion deficiency 3. Last evaluated: 2024-01-07. Review status: criteria provided, single submitter. Criteria: ACMG Guidelines, 2015. Collection method: clinical testing. Allele origin: germline.

Baylor Genetics
Classification: Uncertain significance for Leukocyte adhesion deficiency 3. Last evaluated: 2019-07-31. Review status: criteria provided, single submitter. Criteria: ACMG Guidelines, 2015. Collection method: clinical testing. Allele origin: unknown. Affected: yes.
Comment: This variant was determined to be of uncertain significance according to ACMG Guidelines, 2015 [PMID:25741868].

Eurofins Ntd Llc (ga)
Classification: Uncertain significance. Last evaluated: 2018-05-02. Review status: criteria provided, single submitter. Criteria: EGL ClinVar v180209 classification definitions. Collection method: clinical testing. Allele origin: germline. Observed: 3 variant alleles, 3 heterozygotes.

Breakthrough Genomics
Classification: Uncertain significance. Review status: criteria provided, single submitter. Criteria: ACMG Guidelines, 2015. Collection method: not provided. Allele origin: germline. Inheritance: Autosomal recessive inheritance. Affected: yes.

PreventionGenetics, part of Exact Sciences
Classification: Uncertain significance for FERMT3-related condition. Last evaluated: 2024-02-16. Review status: no assertion criteria provided. Collection method: clinical testing. Allele origin: germline. Not counted in ClinVar's aggregate classification.
Comment: The FERMT3 c.568C>G variant is predicted to result in the amino acid substitution p.Gln190Glu. To our knowledge, this variant has not been reported in the literature. This variant is reported in 0.040% of alleles in individuals of Ashkenazi Jewish descent in gnomAD. At this time, the clinical significance of this variant is uncertain due to the absence of conclusive functional and genetic evidence.

NM_031471.6(FERMT3):c.568C>G (p.Gln190Glu)

Gene: FERMT3 (FERM domain containing kindlin 3; plus strand). Cytogenetic location: 11q13.1.
Variant type: single nucleotide variant.
Coding change: c.568C>G on transcript NM_031471.6 (MANE Select); coding-DNA position 568, C replaced by G.
Protein change: p.Gln190Glu; replaces glutamine 190 with glutamic acid.
Molecular consequence: missense variant.
Genome position (GRCh38, 1-based): chr11:64,211,328, C>G. VCF-style: chr11-64211328-C-G. GRCh37 (hg19) VCF-style: chr11-63978800-C-G.
Other names: c.568C>G, p.Gln190Glu (NM_001382361.1, NM_001382362.1, NM_001382448.1 and 1 more transcripts); c.28C>G, p.Gln10Glu (NM_001382363.1, NM_001382364.1); short protein forms Q190E, Q10E.
Identifiers: ClinVar variation 287373 (VCV000287373.15), dbSNP rs777178622, ClinGen allele CA6068814.
Genomic context (GRCh38, chr11:64,211,328, plus strand): 5'-ACTCCAGGCGTGGCACCTGCACTGTTCCGGGGGATGCCAGCTCACTTCTCGGACAGCGCC[C>G]AGACTGAGGCCTGCTACCACATGCTGAGCCGGCCCCAGCCGCCACCCGACCCCCTCCTGC-3'
Protein context (NP_113659.3, residues 180-200): GMPAHFSDSA[Gln190Glu]TEACYHMLSR